The following is an entry in ClinVar:

ClinVar aggregate classification (germline): Uncertain significance (1 of 4 stars; one submission).

Allele frequency attached by ClinVar (database versions not stated): gnomAD exomes below 0.00001; ExAC 0.00001.
gnomAD v4.1: 2 of 1,614,142 alleles (0.00012%); highest among the groups gnomAD compares: Non-Finnish European, 0.00017%; no homozygotes.

Submission:

Labcorp Genetics (formerly Invitae), Labcorp
Classification: Uncertain significance. Last evaluated: 2021-12-01. Review status: criteria provided, single submitter. Criteria: Invitae Variant Classification Sherloc (09022015). Collection method: clinical testing. Allele origin: germline.
Comment: In summary, the available evidence is currently insufficient to determine the role of this variant in disease. Therefore, it has been classified as a Variant of Uncertain Significance. Algorithms developed to predict the effect of missense changes on protein structure and function are either unavailable or do not agree on the potential impact of this missense change (SIFT: "Deleterious"; PolyPhen-2: "Benign"; Align-GVGD: "Class C15"). This variant has not been reported in the literature in individuals affected with TSPAN12-related conditions. This variant is present in population databases (rs751690853, gnomAD 0.0009%). This sequence change replaces asparagine, which is neutral and polar, with lysine, which is basic and polar, at codon 294 of the TSPAN12 protein (p.Asn294Lys).

NM_012338.4(TSPAN12):c.882C>G (p.Asn294Lys)

Gene: TSPAN12 (tetraspanin 12; minus strand). Cytogenetic location: 7q31.31.
Variant type: single nucleotide variant.
Coding change: c.882C>G on transcript NM_012338.4 (MANE Select); coding-DNA position 882, C replaced by G.
Protein change: p.Asn294Lys; replaces asparagine 294 with lysine.
Molecular consequence: missense variant.
Genome position (GRCh38, 1-based): chr7:120,788,628, G>C on the plus strand (C>G on the coding strand, the complement: TSPAN12 is on the minus strand). VCF-style: chr7-120788628-G-C. GRCh37 (hg19) VCF-style: chr7-120428682-G-C.
Other names: short protein forms N294K.
Identifiers: ClinVar variation 1473031 (VCV001473031.6), dbSNP rs751690853, ClinGen allele CA4453784.